The following is an entry in ClinVar:

ClinVar aggregate classification (germline): Uncertain significance (1 of 4 stars; one submission).

Conditions:
NIK deficiency. Also called: Primary immunodeficiency with multifaceted aberrant lymphoid immunity. Identifiers: Orphanet 447731, MedGen C5680065, MONDO:0018642.

Allele frequency attached by ClinVar (database versions not stated): TOPMed 0.00005; gnomAD 0.00009; ExAC 0.00012; gnomAD exomes 0.00013; 1000 Genomes Project 30x 0.00016; 1000 Genomes Project 0.00020.
gnomAD v4.1: 113 of 1,612,448 alleles (0.007%); highest among the groups gnomAD compares: South Asian, 0.034%; no homozygotes.

Submission:

Labcorp Genetics (formerly Invitae), Labcorp
Classification: Uncertain significance for NIK deficiency. Last evaluated: 2024-08-04. Review status: criteria provided, single submitter. Criteria: Invitae Variant Classification Sherloc (09022015). Collection method: clinical testing. Allele origin: germline.
Comment: This sequence change replaces aspartic acid, which is acidic and polar, with asparagine, which is neutral and polar, at codon 544 of the MAP3K14 protein (p.Asp544Asn). This variant is present in population databases (rs191157690, gnomAD 0.06%). This variant has not been reported in the literature in individuals affected with MAP3K14-related conditions. ClinVar contains an entry for this variant (Variation ID: 1036570). Experimental studies and prediction algorithms are not available or were not evaluated, and the functional significance of this variant is currently unknown. In summary, the available evidence is currently insufficient to determine the role of this variant in disease. Therefore, it has been classified as a Variant of Uncertain Significance.

NM_003954.5(MAP3K14):c.1630G>A (p.Asp544Asn)

Gene: MAP3K14 (mitogen-activated protein kinase kinase kinase 14; minus strand). Cytogenetic location: 17q21.31.
Variant type: single nucleotide variant.
Coding change: c.1630G>A on transcript NM_003954.5 (MANE Select); coding-DNA position 1630, G replaced by A.
Protein change: p.Asp544Asn; replaces aspartic acid 544 with asparagine.
Molecular consequence: missense variant.
Genome position (GRCh38, 1-based): chr17:45,273,530, C>T on the plus strand (G>A on the coding strand, the complement: MAP3K14 is on the minus strand). VCF-style: chr17-45273530-C-T. GRCh37 (hg19) VCF-style: chr17-43350897-C-T.
Other names: short protein forms D544N.
Identifiers: ClinVar variation 1036570 (VCV001036570.6), dbSNP rs191157690, ClinGen allele CA8614073.